The following is an entry in ClinVar:

ClinVar aggregate classification (germline): Conflicting classifications of pathogenicity. Review status: criteria provided, conflicting classifications (1 of 4 stars). 2 submissions from 2 submitters: Uncertain significance (1); Likely benign (1). Last evaluated 2025-11-19.

Conditions:
Aicardi-Goutieres syndrome 7 (AGS7). Identifiers: Orphanet 51, MedGen C3888244, MONDO:0014367, OMIM 615846.
Singleton-Merten syndrome 1 (SGMRT1). Also called: Widened medullary cavities of bone, aortic calcification, abnormal dentition, and muscular weakness; Syndrome of widened medullary cavities of the metacarpals and phalanges, aortic calcification and abnormal dentition. Identifiers: Orphanet 85191, MedGen C4225427, MONDO:0024535, OMIM 182250.

Submissions (2):

GeneDx
Classification: Uncertain significance. Last evaluated: 2025-11-19. Review status: criteria provided, single submitter. Criteria: GeneDx Variant Classification Process June 2021. Collection method: clinical testing. Allele origin: germline. Affected: yes.
Comment: Not observed at significant frequency in large population cohorts (gnomAD); In silico analysis supports a deleterious effect on splicing; Has not been previously published as pathogenic or benign to our knowledge

Labcorp Genetics (formerly Invitae), Labcorp
Classification: Likely benign for Aicardi-Goutieres syndrome 7; Singleton-Merten syndrome 1. Last evaluated: 2022-11-15. Review status: criteria provided, single submitter. Criteria: Invitae Variant Classification Sherloc (09022015). Collection method: clinical testing. Allele origin: germline.

NM_022168.4(IFIH1):c.767_769+2dup

Gene: IFIH1 (interferon induced with helicase C domain 1; minus strand). Cytogenetic location: 2q24.2.
Variant type: Duplication.
Coding change: c.767_769+2dup on transcript NM_022168.4 (MANE Select); coding-DNA position 767 through the canonical splice donor site of the intron after coding-DNA position 769, 5 bases duplicated (CAGGT; older notation c.767_769+2dupCAGGT).
Molecular consequence: splice donor variant.
Genome position (GRCh38, 1-based): chr2:162,306,707-162,306,711, ACCTG duplicated on the plus strand (CAGGT on the coding strand, the reverse complement: IFIH1 is on the minus strand); duplicating any 5 consecutive bases within chr2:162,306,707-162,306,712 gives the same sequence; the c. name uses the placement nearest the transcript's 3' end. VCF-style (leftmost placement, unchanged base first): chr2-162306706-T-TACCTG. GRCh37 (hg19) VCF-style: chr2-163163216-T-TACCTG.
Identifiers: ClinVar variation 1357956 (VCV001357956.8), dbSNP rs1323841528, ClinGen allele CA537107740.